The following is an entry in ClinVar:

NM_000256.3(MYBPC3):c.1174G>T (p.Ala392Ser)

Gene: MYBPC3 (myosin binding protein C3; minus strand). Cytogenetic location: 11p11.2.
Variant type: single nucleotide variant.
Coding change: c.1174G>T on transcript NM_000256.3 (MANE Select); coding-DNA position 1174, G replaced by T.
Protein change: p.Ala392Ser; replaces alanine 392 with serine.
Molecular consequence: missense variant.
Genome position (GRCh38, 1-based): chr11:47,343,541, C>A on the plus strand (G>T on the coding strand, the complement: MYBPC3 is on the minus strand). VCF-style: chr11-47343541-C-A. GRCh37 (hg19) VCF-style: chr11-47365092-C-A.
Other names: short protein forms A392S.
Identifiers: ClinVar variation 2735596 (VCV002735596.3), dbSNP rs1019697151, ClinGen allele CA380328805.
Genomic context (GRCh38, chr11:47,343,541, plus strand): 5'-CCAGGCTGCACCTGCCGCTCATCTGGATCTCCTGGCCATTCTTGAGCCATTTGACCTCAG[C>A]GTCATGGTCAGCCAGTTCCACGGTCAGCCGGATCTTGTGGCCTTTGCTCACCTGGTAGGC-3'
Protein context (NP_000247.2, residues 382-402): RLTVELADHD[Ala392Ser]EVKWLKNGQE

ClinVar aggregate classification (germline): Uncertain significance (1 of 4 stars; one submission).

Conditions:
Hypertrophic cardiomyopathy. Also called: HYPERTROPHIC MYOCARDIOPATHY. Identifiers: Orphanet 217569, MedGen C0007194, MeSH D002312, MONDO:0005045, HP:0001639.

Submission:

Labcorp Genetics (formerly Invitae), Labcorp
Classification: Uncertain significance for Hypertrophic cardiomyopathy. Last evaluated: 2022-11-23. Review status: criteria provided, single submitter. Criteria: Invitae Variant Classification Sherloc (09022015). Collection method: clinical testing. Allele origin: germline.
Comment: This sequence change replaces alanine, which is neutral and non-polar, with serine, which is neutral and polar, at codon 392 of the MYBPC3 protein (p.Ala392Ser). In summary, the available evidence is currently insufficient to determine the role of this variant in disease. Therefore, it has been classified as a Variant of Uncertain Significance. Algorithms developed to predict the effect of missense changes on protein structure and function are either unavailable or do not agree on the potential impact of this missense change (SIFT: "Deleterious"; PolyPhen-2: "Possibly Damaging"; Align-GVGD: "Class C0"). This missense change has been observed in individual(s) with hypertrophic cardiomyopathy (PMID: 27532257). This variant is not present in population databases (gnomAD no frequency).

Literature cited by the submitters: PubMed 27532257.